The following is an entry in ClinVar:

NM_005120.3(MED12):c.1485+1G>A

Genes: MED12 (mediator complex subunit 12; plus strand), LOC126863275 (BRD4-independent group 4 enhancer GRCh37_chrX:70342400-70343599; plus strand). Cytogenetic location: Xq13.1.
Variant type: single nucleotide variant.
Coding change: c.1485+1G>A on transcript NM_005120.3 (MANE Select); the canonical splice donor site of the intron after coding-DNA position 1485, G replaced by A.
Molecular consequence: splice donor variant.
Genome position (GRCh38, 1-based): chrX:71,122,875, G>A. VCF-style: chrX-71122875-G-A. GRCh37 (hg19) VCF-style: chrX-70342725-G-A.
Identifiers: ClinVar variation 5010277 (VCV005010277.1).

ClinVar aggregate classification (germline): Pathogenic (1 of 4 stars; one submission).

Conditions:
Cleft palate. Identifiers: Orphanet 2014, MedGen C2981150, MONDO:0016064, HP:0000175.

Submission:

Clinical Genetics Laboratory, Skane University Hospital Lund
Classification: Pathogenic for Cleft palate. Last evaluated: 2026-08-25. Review status: criteria provided, single submitter. Criteria: ACMG Guidelines, 2015. Collection method: clinical testing. Allele origin: de novo. Inheritance: X-linked inheritance. Affected: yes.
Comment: PVS1, PS2_Moderate and PM2